The following is an entry in ClinVar:

ClinVar aggregate classification (germline): Likely benign (1 of 4 stars; one submission).

gnomAD v4.1: 28 of 765,282 alleles (0.0037%); highest among the groups gnomAD compares: East Asian, 0.019%; no homozygotes.

Submission:

CeGaT Center for Human Genetics Tuebingen
Classification: Likely benign. Last evaluated: 2025-07-01. Review status: criteria provided, single submitter. Criteria: CeGaT Center For Human Genetics Tuebingen Variant Classification Criteria Version 2. Collection method: clinical testing. Allele origin: germline. Affected: yes. Observed: 1 variant allele.
Comment: GABRB3: BS2

NC_000015.10:g.26939353G>A

Genes: GABRA5 (gamma-aminobutyric acid type A receptor subunit alpha5; plus strand), GABRB3 (gamma-aminobutyric acid type A receptor subunit beta3; minus strand). Cytogenetic location: 15q12.
Variant type: single nucleotide variant.
Molecular consequence: intron variant (on NM_000810.4).
Genome position: GRCh38 VCF-style: chr15-26939353-G-A. GRCh37 (hg19) VCF-style: chr15-27184500-G-A.
Other names: c.725-572G>A (NM_001165037.2, NM_000810.4).
Identifiers: ClinVar variation 4084559 (VCV004084559.8).